The following is an entry in ClinVar:

NM_024675.4(PALB2):c.3201+3A>C

Gene: PALB2 (partner and localizer of BRCA2; minus strand). Cytogenetic location: 16p12.2.
Variant type: single nucleotide variant.
Coding change: c.3201+3A>C on transcript NM_024675.4 (MANE Select); 3 bases into the intron after coding-DNA position 3201, A replaced by C.
Molecular consequence: intron variant.
Genome position (GRCh38, 1-based): chr16:23,614,001, T>G on the plus strand (A>C on the coding strand, the complement: PALB2 is on the minus strand). VCF-style: chr16-23614001-T-G. GRCh37 (hg19) VCF-style: chr16-23625322-T-G.
Identifiers: ClinVar variation 233131 (VCV000233131.13), dbSNP rs876660215, ClinGen allele CA10579928.

ClinVar aggregate classification (germline): Conflicting classifications of pathogenicity. Review status: criteria provided, conflicting classifications (1 of 4 stars). 2 submissions from 2 submitters: Likely pathogenic (1); Uncertain significance (1). Last evaluated 2024-11-15.

Conditions:
Hereditary cancer-predisposing syndrome. Also called: Neoplastic Syndromes, Hereditary; Tumor predisposition; Hereditary Cancer Syndrome; Hereditary neoplastic syndrome. Identifiers: Orphanet 140162, MedGen C0027672, MeSH D009386, MONDO:0015356.
Familial cancer of breast. Also called: BREAST CANCER, FAMILIAL; hereditary breast carcinoma; Hereditary breast cancer. Identifiers: Orphanet 227535, MedGen C0346153, MONDO:0016419, OMIM 114480. Disease mechanism: loss of function.

Submissions (2):

Ambry Genetics
Classification: Likely pathogenic for Hereditary cancer-predisposing syndrome. Last evaluated: 2024-11-15. Review status: criteria provided, single submitter. Criteria: Ambry Variant Classification Scheme 2023. Collection method: clinical testing. Allele origin: germline.
Comment: The c.3201+3A>C intronic variant results from an A to C substitution 3 nucleotides after coding exon 11 in the PALB2 gene. This nucleotide position is well conserved in available vertebrate species. In silico splice site analysis predicts that this alteration will weaken the native splice donor site. RNA studies have demonstrated that this alteration results in abnormal splicing in the set of samples tested (Ambry internal data). Based on the majority of available evidence to date, this variant is likely to be pathogenic.

Labcorp Genetics (formerly Invitae), Labcorp
Classification: Uncertain significance for Familial cancer of breast. Last evaluated: 2024-08-05. Review status: criteria provided, single submitter. Criteria: Invitae Variant Classification Sherloc (09022015). Collection method: clinical testing. Allele origin: germline.
Comment: This sequence change falls in intron 11 of the PALB2 gene. It does not directly change the encoded amino acid sequence of the PALB2 protein. It affects a nucleotide within the consensus splice site. This variant is not present in population databases (gnomAD no frequency). This variant has not been reported in the literature in individuals affected with PALB2-related conditions. ClinVar contains an entry for this variant (Variation ID: 233131). Variants that disrupt the consensus splice site are a relatively common cause of aberrant splicing (PMID: 17576681, 9536098). Studies have shown that this variant is associated with inconclusive levels of altered splicing (Invitae). In summary, the available evidence is currently insufficient to determine the role of this variant in disease. Therefore, it has been classified as a Variant of Uncertain Significance.

Literature cited by the submitters: PubMed 17576681 (cited by Labcorp Genetics (formerly Invitae), Labcorp); PubMed 9536098 (cited by Labcorp Genetics (formerly Invitae), Labcorp).